The following is an entry in ClinVar:

NM_001142800.2(EYS):c.1358_1359del (p.Leu453fs)

Gene: EYS (EGF-like photoreceptor maintenance factor; minus strand). Cytogenetic location: 6q12.
Variant type: Deletion.
Coding change: c.1358_1359del on transcript NM_001142800.2 (MANE Select); coding-DNA positions 1358 to 1359, 2 bases deleted (TA; older notation c.1358_1359delTA).
Protein change: p.Leu453fs; shifts the reading frame from leucine 453.
Molecular consequence: frameshift variant.
Genome position (GRCh38, 1-based): chr6:65,353,558-65,353,559, TA deleted on the plus strand (TA on the coding strand, the reverse complement: EYS is on the minus strand). VCF-style (leftmost placement, unchanged base first): chr6-65353557-TTA-T. GRCh37 (hg19) VCF-style: chr6-66063450-TTA-T.
Other names: c.1358_1359del (NM_001142800.1); c.1358_1359del, p.Leu453fs (NM_001142801.2, NM_001292009.2, NM_198283.2); short protein forms L453fs.
Identifiers: ClinVar variation 1356656 (VCV001356656.8), dbSNP rs1450999049, ClinGen allele CA827168250.

ClinVar aggregate classification (germline): Pathogenic/Likely pathogenic. Review status: criteria provided, multiple submitters, no conflicts (2 of 4 stars). 2 submissions from 2 submitters: Pathogenic (1); Likely pathogenic (1). Last evaluated 2025-05-20.

Conditions:
Retinitis pigmentosa 25 (RP25). Identifiers: Orphanet 791, MedGen C1864446, MONDO:0011272, OMIM 602772.

Allele frequency attached by ClinVar (database versions not stated): TOPMed 0.00001.

Submissions (2):

Natera, Inc.
Classification: Likely pathogenic for Retinitis pigmentosa type 25. Last evaluated: 2025-05-20. Review status: criteria provided, single submitter. Criteria: Natera Variant Classification Schema (03/2026). Collection method: clinical testing. Allele origin: germline.
Comment: The c.1358_1359del variant in EYS is a frameshift variant predicted to shift the reading frame beginning at codon 453 and leads to a stop codon 19 codons downstream. This variant is expected to result in nonsense mediated decay, truncation, or a dysfunctional protein product. This variant is rare in the general population with a frequency below the threshold expected for the associated phenotype(s). Given the available evidence, this variant is classified as Likely Pathogenic.

Labcorp Genetics (formerly Invitae), Labcorp
Classification: Pathogenic. Last evaluated: 2023-11-21. Review status: criteria provided, single submitter. Criteria: Invitae Variant Classification Sherloc (09022015). Collection method: clinical testing. Allele origin: germline.
Comment: This sequence change creates a premature translational stop signal (p.Leu453Hisfs*19) in the EYS gene. It is expected to result in an absent or disrupted protein product. Loss-of-function variants in EYS are known to be pathogenic (PMID: 18836446, 20333770). This variant is not present in population databases (gnomAD no frequency). This variant has not been reported in the literature in individuals affected with EYS-related conditions. ClinVar contains an entry for this variant (Variation ID: 1356656). For these reasons, this variant has been classified as Pathogenic.

Literature cited by the submitters: PubMed 18836446 (cited by Labcorp Genetics (formerly Invitae), Labcorp); PubMed 20333770 (cited by Labcorp Genetics (formerly Invitae), Labcorp).